The following is an entry in ClinVar:

NM_000051.4(ATM):c.9082_9083del (p.Val3028fs)

Genes: ATM (ATM serine/threonine kinase; plus strand), C11orf65 (chromosome 11 open reading frame 65; minus strand). Cytogenetic location: 11q22.3.
Variant type: Microsatellite.
Coding change: c.9082_9083del on transcript NM_000051.4 (MANE Select); coding-DNA positions 9082 to 9083, 2 bases deleted (GT; older notation c.9082_9083delGT).
Protein change: p.Val3028fs; shifts the reading frame from valine 3028.
Molecular consequence: frameshift variant. On other transcripts: intron variant (2).
Genome position (GRCh38, 1-based): chr11:108,365,419-108,365,420, GT deleted; deleting any 2 consecutive bases within chr11:108,365,417-108,365,420 gives the same sequence; the c. name uses the placement nearest the transcript's 3' end. VCF-style (leftmost placement, unchanged base first): chr11-108365416-AGT-A. GRCh37 (hg19) VCF-style: chr11-108236143-AGT-A.
Other names: c.9082_9083delGT (NM_000051.3); c.9082_9083del, p.Val3028fs (NM_001351834.2); c.640+20502_640+20503del (NM_001330368.2); c.694+20502_694+20503del (NM_001351110.2); short protein forms V3028fs.
Identifiers: ClinVar variation 2809737 (VCV002809737.4), dbSNP rs2547685234, ClinGen allele CA2739266013.
Genomic context (GRCh38, chr11:108,365,416, plus strand): 5'-GAACGTGTCTTAATGAGACTACAAGAGAAACTGAAAGGAGTGGAAGAAGGCACTGTGCTC[AGT>A]GTTGGTGGACAAGTGAATTTGCTCATACAGCAGGCCATAGACCCCAAAAATCTCAGCCGA-3'

ClinVar aggregate classification (germline): Pathogenic. Review status: criteria provided, multiple submitters, no conflicts (2 of 4 stars). 2 submissions from 2 submitters: Pathogenic (2). Last evaluated 2025-05-02.

Conditions:
Ataxia-telangiectasia syndrome (AT). Also called: LOUIS-BAR SYNDROME; Cerebello-oculocutaneous telangiectasia; Immunodeficiency with ataxia telangiectasia; Ataxia telangiectasia (A-T); Ataxia-telangiectasia, complementation group D; AT, COMPLEMENTATION GROUP C. Identifiers: Orphanet 100, MedGen C0004135, MONDO:0008840, OMIM 208900.
Hereditary cancer-predisposing syndrome. Also called: Tumor predisposition; Neoplastic Syndromes, Hereditary; Hereditary Cancer Syndrome; Hereditary neoplastic syndrome. Identifiers: Orphanet 140162, MedGen C0027672, MeSH D009386, MONDO:0015356.

Submissions (2):

Ambry Genetics
Classification: Pathogenic for Hereditary cancer-predisposing syndrome. Last evaluated: 2025-05-02. Review status: criteria provided, single submitter. Criteria: Ambry Variant Classification Scheme 2023. Collection method: clinical testing. Allele origin: germline.
Comment: The c.9082_9083delGT pathogenic mutation, located in coding exon 62 of the ATM gene, results from a deletion of two nucleotides at nucleotide positions 9082 to 9083, causing a translational frameshift with a predicted alternate stop codon (p.V3028Wfs*34). This alteration occurs at the 3' terminus of theATM gene, is not expected to trigger nonsense-mediated mRNAdecay and results in the elongation of the protein by 4 amino acids. This frameshift impacts the last 29amino acids of the native protein. However, frameshifts are typically deleterious in nature and the impacted region is critical for protein function (Ambry internal data). This variant is considered to be rare based on population cohorts in the Genome Aggregation Database (gnomAD). Based on the supporting evidence, this variant is interpreted as a disease-causing mutation

Labcorp Genetics (formerly Invitae), Labcorp
Classification: Pathogenic for Ataxia-telangiectasia syndrome. Last evaluated: 2023-04-07. Review status: criteria provided, single submitter. Criteria: Invitae Variant Classification Sherloc (09022015). Collection method: clinical testing. Allele origin: germline.
Comment: For these reasons, this variant has been classified as Pathogenic. This variant disrupts a region of the ATM protein in which other variant(s) (p.Arg3047*) have been determined to be pathogenic (PMID: 8755918, 10980530, 18560558, 19691550, 26628246). This suggests that this is a clinically significant region of the protein, and that variants that disrupt it are likely to be disease-causing. This variant has not been reported in the literature in individuals affected with ATM-related conditions. This variant is not present in population databases (gnomAD no frequency). This sequence change results in a frameshift in the ATM gene (p.Val3028Trpfs*34). While this is not anticipated to result in nonsense mediated decay, it is expected to disrupt the last 29 amino acid(s) of the ATM protein and extend the protein by 4 additional amino acid residues.

Literature cited by the submitters: PubMed 8755918 (cited by Labcorp Genetics (formerly Invitae), Labcorp); PubMed 10980530 (cited by Labcorp Genetics (formerly Invitae), Labcorp); PubMed 18560558 (cited by Labcorp Genetics (formerly Invitae), Labcorp); PubMed 19691550 (cited by Labcorp Genetics (formerly Invitae), Labcorp); PubMed 26628246 (cited by Labcorp Genetics (formerly Invitae), Labcorp).